The following is an entry in ClinVar:

NM_001386298.1(CIC):c.3653C>T (p.Pro1218Leu)

Gene: CIC (capicua transcriptional repressor; plus strand). Cytogenetic location: 19q13.2.
Variant type: single nucleotide variant.
Coding change: c.3653C>T on transcript NM_001386298.1 (MANE Select); coding-DNA position 3653, C replaced by T.
Protein change: p.Pro1218Leu; replaces proline 1218 with leucine.
Molecular consequence: missense variant.
Genome position (GRCh38, 1-based): chr19:42,287,970, C>T. VCF-style: chr19-42287970-C-T. GRCh37 (hg19) VCF-style: chr19-42792122-C-T.
Other names: c.3653C>T, p.Pro1218Leu (NM_001304815.2, NM_001379480.1, NM_001379482.1); c.926C>T, p.Pro309Leu (NM_001379484.1, NM_001379485.1, NM_015125.5); short protein forms P1218L, P309L.
Identifiers: ClinVar variation 3384835 (VCV003384835.1).

ClinVar aggregate classification (germline): Uncertain significance (1 of 4 stars; one submission).

gnomAD v4.1: 4 of 1,591,168 alleles (0.00025%); highest among the groups gnomAD compares: Middle Eastern, 0.017%; no homozygotes.

Submission:

Women's Health and Genetics/Laboratory Corporation of America, LabCorp
Classification: Uncertain significance. Last evaluated: 2024-10-29. Review status: criteria provided, single submitter. Criteria: LabCorp Variant Classification Summary - May 2015. Collection method: clinical testing. Allele origin: germline.
Comment: Variant summary: CIC c.926C>T (p.Pro309Leu) results in a non-conservative amino acid change in the encoded protein sequence. Three of five in-silico tools predict a damaging effect of the variant on protein function. The variant allele was found at a frequency of 4.8e-06 in 206296 control chromosomes. The available data on variant occurrences in the general population are insufficient to allow any conclusion about variant significance. To our knowledge, no occurrence of c.926C>T in individuals affected with Mental Retardation, Autosomal Dominant 45 and no experimental evidence demonstrating its impact on protein function have been reported. No submitters have cited clinical-significance assessments for this variant to ClinVar. Based on the evidence outlined above, the variant was classified as uncertain significance.